The following is an entry in ClinVar:

ClinVar aggregate classification (germline): Pathogenic (1 of 4 stars; one submission).

Allele frequency attached by ClinVar (database versions not stated): gnomAD 0.00001.
gnomAD v4.1: 41 of 1,576,456 alleles (0.0026%); highest among the groups gnomAD compares: Non-Finnish European, 0.0032%; no homozygotes.

Submission:

GeneDx
Classification: Pathogenic. Last evaluated: 2026-10-22. Review status: criteria provided, single submitter. Criteria: GeneDx Variant Classification Process June 2021. Collection method: clinical testing. Allele origin: germline.
Comment: Nonsense variant predicted to result in protein truncation, as the last 1097 amino acid(s) are lost, and other loss-of-function variants have been reported downstream in HGMD; Has not been previously published as pathogenic or benign to our knowledge; This variant is associated with the following publications: (PMID: 16444271)

NM_002016.2(FLG):c.8894C>G (p.Ser2965Ter)

Genes: CCDST (cervical cancer associated DHX9 suppressive transcript; plus strand), FLG (filaggrin; minus strand). Cytogenetic location: 1q21.3.
Variant type: single nucleotide variant.
Coding change: c.8894C>G on transcript NM_002016.2 (MANE Select); coding-DNA position 8894, C replaced by G.
Protein change: p.Ser2965Ter; replaces serine 2965 with a stop codon.
Molecular consequence: nonsense.
Genome position (GRCh38, 1-based): chr1:152,305,992, G>C on the plus strand (C>G on the coding strand, the complement: FLG is on the minus strand). VCF-style: chr1-152305992-G-C. GRCh37 (hg19) VCF-style: chr1-152278468-G-C.
Other names: short protein forms S2965*.
Identifiers: ClinVar variation 1806652 (VCV001806652.2), dbSNP rs770970441, ClinGen allele CA30545802.
Genomic context (GRCh38, chr1:152,305,992, plus strand): 5'-GACTGCTGGTGGTGGGATCCATGTCTTTCTCCTGCACTTGATCTTGCCTGTTCATGGGAT[G>C]ATGCAGCCTGTCCACCAGAGGAAGTCTGTGTGTGACGAGTGCCTGATTGTCTGGAGCTGT-3'